The following is an entry in ClinVar:

ClinVar aggregate classification (germline): Likely pathogenic (1 of 4 stars; one submission).

Submission:

Labcorp Genetics (formerly Invitae), Labcorp
Classification: Likely pathogenic. Last evaluated: 2023-08-30. Review status: criteria provided, single submitter. Criteria: Invitae Variant Classification Sherloc (09022015). Collection method: clinical testing. Allele origin: germline.
Comment: Algorithms developed to predict the effect of sequence changes on RNA splicing suggest that this variant may disrupt the consensus splice site. This variant has not been reported in the literature in individuals affected with UNC80-related conditions. This variant is not present in population databases (gnomAD no frequency). This sequence change affects a splice site in intron 42 of the UNC80 gene. It is expected to disrupt RNA splicing. Variants that disrupt the donor or acceptor splice site typically lead to a loss of protein function (PMID: 16199547), and loss-of-function variants in UNC80 are known to be pathogenic (PMID: 26545877, 26708751, 26708753). In summary, the currently available evidence indicates that the variant is pathogenic, but additional data are needed to prove that conclusively. Therefore, this variant has been classified as Likely Pathogenic.

Literature cited by the submitters: PubMed 16199547; PubMed 26545877; PubMed 26708751; PubMed 26708753.

NM_001371986.1(UNC80):c.6646_6646+1insTCATT

Gene: UNC80 (unc-80 subunit of NALCN channel complex; plus strand). Cytogenetic location: 2q34.
Variant type: Insertion.
Coding change: c.6646_6646+1insTCATT on transcript NM_001371986.1 (MANE Select); coding-DNA position 6646 through the canonical splice donor site of the intron after coding-DNA position 6646, TCATT inserted.
Molecular consequence: splice donor variant.
Genome position: GRCh38 VCF-style: chr2-209939652-G-GTCATT. GRCh37 (hg19) VCF-style: chr2-210804376-G-GTCATT.
Other names: c.6448_6448+1insTCATT (NM_032504.2); c.6433_6433+1insTCATT (NM_182587.4).
Identifiers: ClinVar variation 2837433 (VCV002837433.3), dbSNP rs2471166154, ClinGen allele CA2739279003.